The following is an entry in ClinVar:

NM_014918.5(CHSY1):c.574G>A (p.Glu192Lys)

Gene: CHSY1 (chondroitin sulfate synthase 1; minus strand). Cytogenetic location: 15q26.3.
Variant type: single nucleotide variant.
Coding change: c.574G>A on transcript NM_014918.5 (MANE Select); coding-DNA position 574, G replaced by A.
Protein change: p.Glu192Lys; replaces glutamic acid 192 with lysine.
Molecular consequence: missense variant.
Genome position (GRCh38, 1-based): chr15:101,235,324, C>T on the plus strand (G>A on the coding strand, the complement: CHSY1 is on the minus strand). VCF-style: chr15-101235324-C-T. GRCh37 (hg19) VCF-style: chr15-101775529-C-T.
Other names: short protein forms E192K.
Identifiers: ClinVar variation 3008947 (VCV003008947.3), dbSNP rs141538980, ClinGen allele CA7762697.
Genomic context (GRCh38, chr15:101,235,324, plus strand): 5'-GGGCCAGTTTTCCCATTTCTTCCGTGGTGCCCAGGCCTGTCTGCCCAAGAAAGAGGGGCT[C>T]GCTGCTGTTCAAACTCCTCAGGAAGTTCTCCAGACGGTCTCCTTTGATGTACACGTCATC-3'
Protein context (NP_055733.2, residues 182-202): ENFLRSLNSS[Glu192Lys]PLFLGQTGLG

ClinVar aggregate classification (germline): Uncertain significance (1 of 4 stars; one submission).

Conditions:
Temtamy preaxial brachydactyly syndrome (TPBS). Identifiers: Orphanet 363417, MedGen C1854466, MONDO:0011533, OMIM 605282.

Allele frequency attached by ClinVar (database versions not stated): gnomAD exomes below 0.00001; gnomAD 0.00001; ExAC 0.00002; TOPMed 0.00002; ESP Exome Variant Server 0.00008.
gnomAD v4.1: 5 of 1,614,086 alleles (0.00031%); highest among the groups gnomAD compares: South Asian, 0.0033%; no homozygotes.

Submission:

Labcorp Genetics (formerly Invitae), Labcorp
Classification: Uncertain significance for Temtamy preaxial brachydactyly syndrome. Last evaluated: 2022-11-20. Review status: criteria provided, single submitter. Criteria: Invitae Variant Classification Sherloc (09022015). Collection method: clinical testing. Allele origin: germline.
Comment: In summary, the available evidence is currently insufficient to determine the role of this variant in disease. Therefore, it has been classified as a Variant of Uncertain Significance. Advanced modeling of protein sequence and biophysical properties (such as structural, functional, and spatial information, amino acid conservation, physicochemical variation, residue mobility, and thermodynamic stability) performed at Invitae indicates that this missense variant is not expected to disrupt CHSY1 protein function. This variant has not been reported in the literature in individuals affected with CHSY1-related conditions. This variant is present in population databases (rs141538980, gnomAD 0.007%). This sequence change replaces glutamic acid, which is acidic and polar, with lysine, which is basic and polar, at codon 192 of the CHSY1 protein (p.Glu192Lys).